The following is an entry in ClinVar:

NM_000760.4(CSF3R):c.2167C>G (p.Leu723Val)

Gene: CSF3R (colony stimulating factor 3 receptor; minus strand). Cytogenetic location: 1p34.3.
Variant type: single nucleotide variant.
Coding change: c.2167C>G on transcript NM_000760.4 (MANE Select); coding-DNA position 2167, C replaced by G.
Protein change: p.Leu723Val; replaces leucine 723 with valine.
Molecular consequence: missense variant.
Genome position (GRCh38, 1-based): chr1:36,466,701, G>C on the plus strand (C>G on the coding strand, the complement: CSF3R is on the minus strand). VCF-style: chr1-36466701-G-C. GRCh37 (hg19) VCF-style: chr1-36932302-G-C.
Other names: c.2248C>G, p.Leu750Val (NM_156039.3); c.2167C>G, p.Leu723Val (NM_172313.3); c.2167C>G (NM_000760.3); short protein forms L750V, L723V.
Identifiers: ClinVar variation 1043993 (VCV001043993.9), dbSNP rs766343562, ClinGen allele CA20742313.

ClinVar aggregate classification (germline): Uncertain significance. Review status: criteria provided, multiple submitters, no conflicts (2 of 4 stars). 4 submissions from 4 submitters: Uncertain significance (4). Last evaluated 2025-09-04.

Conditions:
Autosomal recessive severe congenital neutropenia due to CSF3R deficiency. Also called: Neutropenia, severe congenital, 7, autosomal recessive. Identifiers: Orphanet 420702, MedGen C4310764, MONDO:0014865, OMIM 617014.
Inborn genetic diseases. Identifiers: MedGen C0950123, MeSH D030342.
CSF3R-related disorder. Also called: CSF3R-related condition.

Allele frequency attached by ClinVar (database versions not stated): gnomAD 0.00008 and 0.00009; TOPMed 0.00027.
gnomAD v4.1: 25 of 1,614,108 alleles (0.0015%); highest among the groups gnomAD compares: Admixed American, 0.028%; no homozygotes.

Submissions (4):

Labcorp Genetics (formerly Invitae), Labcorp
Classification: Uncertain significance for Autosomal recessive severe congenital neutropenia due to CSF3R deficiency. Last evaluated: 2025-09-04. Review status: criteria provided, single submitter. Criteria: Invitae Variant Classification Sherloc (09022015). Collection method: clinical testing. Allele origin: germline.
Comment: This sequence change replaces leucine, which is neutral and non-polar, with valine, which is neutral and non-polar, at codon 723 of the CSF3R protein (p.Leu723Val). This variant is present in population databases (no rsID available, gnomAD 0.003%). This variant has not been reported in the literature in individuals affected with CSF3R-related conditions. ClinVar contains an entry for this variant (Variation ID: 1043993). Invitae Evidence Modeling of protein sequence and biophysical properties (such as structural, functional, and spatial information, amino acid conservation, physicochemical variation, residue mobility, and thermodynamic stability) indicates that this missense variant is not expected to disrupt CSF3R protein function with a negative predictive value of 80%. In summary, the available evidence is currently insufficient to determine the role of this variant in disease. Therefore, it has been classified as a Variant of Uncertain Significance.

PreventionGenetics, part of Exact Sciences
Classification: Uncertain significance for CSF3R-related condition. Last evaluated: 2025-01-15. Review status: criteria provided, single submitter. Criteria: ACMG Guidelines, 2015. Collection method: clinical testing. Allele origin: germline.
Comment: The CSF3R c.2167C>G variant is predicted to result in the amino acid substitution p.Leu723Val. The p.Leu723Val has been reported as a presumed germline variant in two individuals with myeloid neoplasia; however, detailed clinical information was not available (Kewan et al. 2021. doi: 10.1182/blood-2021-152546). This variant is reported in 0.0029% of alleles in individuals of Latino descent in gnomAD. At this time, the clinical significance of this variant is uncertain due to the absence of conclusive functional and genetic evidence.

Ambry Genetics
Classification: Uncertain significance for Inborn genetic diseases. Last evaluated: 2024-01-16. Review status: criteria provided, single submitter. Criteria: Ambry Variant Classification Scheme 2023. Collection method: clinical testing. Allele origin: germline.

Blueprint Genetics
Classification: Uncertain significance. Last evaluated: 2022-10-01. Review status: criteria provided, single submitter. Criteria: ACMG Guidelines, 2015. Collection method: clinical testing. Allele origin: germline.